The following is an entry in ClinVar:

NM_014165.4(NDUFAF4):c.20_21delinsTT (p.Arg7Leu)

Genes: NDUFAF4 (NADH:ubiquinone oxidoreductase complex assembly factor 4; minus strand), LOC129996857 (ATAC-STARR-seq lymphoblastoid active region 24846; plus strand). Cytogenetic location: 6q16.1.
Variant type: Indel.
Coding change: c.20_21delinsTT on transcript NM_014165.4 (MANE Select); coding-DNA positions 20 to 21, GC replaced by TT.
Protein change: p.Arg7Leu; replaces arginine 7 with leucine.
Molecular consequence: missense variant.
Genome position (GRCh38, 1-based): chr6:96,897,781-96,897,782, GC replaced by AA on the plus strand (GC replaced by TT on the coding strand, the reverse complement: NDUFAF4 is on the minus strand). VCF-style: chr6-96897781-GC-AA. GRCh37 (hg19) VCF-style: chr6-97345657-GC-AA.
Other names: short protein forms R7L.
Identifiers: ClinVar variation 214751 (VCV000214751.2), dbSNP rs863224091, ClinGen allele CA321885.
Genomic context (GRCh38, chr6:96,897,781, plus strand): 5'-GGGCTTCATCTTGCTGATTTCCCGTTCCGCTCGGTTCTCTAGGTTGAAATTCCTGATACC[GC>AA]GAATCACTAGTGCTCCCATCTCCTCATAACATTATGCGCTCAGGTTCAGGCCGCACGTGG-3'
Protein context (NP_054884.1, residues 1-17): MGALVI[Arg7Leu]GIRNFNLENR

ClinVar aggregate classification (germline): Uncertain significance (1 of 4 stars; one submission).

Submission:

GeneDx
Classification: Uncertain significance. Last evaluated: 2013-09-10. Review status: criteria provided, single submitter. Criteria: GeneDx Variant Classification (06012015). Collection method: clinical testing. Allele origin: germline. Affected: yes.
Comment: The R7L variant in the NDUFAF4 gene has not been reported previously as a disease-causing mutation nor as a benign polymorphism, to our knowledge. Mutations in the NDUFAF4 gene are associated with the autosomal recessive disorder mitochondrial complex I deficiency. This variant is a non-conservative amino acid substitution of a positively charged Arginine with a non-polar Leucine at a residue that is conserved across species. In silico analysis predicts this variant is probably damaging to the protein structure/function. The R7L variant was not observed in approximately 6,000 individuals of European and African American ancestry by the NHLBI Exome Sequencing Project, indicating it is not a common benign variant in these populations. We interpret R7L as a variant of unknown significance. The variant is found in NDUFAF4 panel(s).